The following is an entry in ClinVar:

NM_002048.3(GAS1):c.247G>T (p.Asp83Tyr)

Genes: GAS1 (growth arrest specific 1; minus strand), LOC130001972 (ATAC-STARR-seq lymphoblastoid silent region 19998; plus strand). Cytogenetic location: 9q21.33.
Variant type: single nucleotide variant.
Coding change: c.247G>T on transcript NM_002048.3 (MANE Select); coding-DNA position 247, G replaced by T.
Protein change: p.Asp83Tyr; replaces aspartic acid 83 with tyrosine.
Molecular consequence: missense variant.
Genome position (GRCh38, 1-based): chr9:86,946,533, C>A on the plus strand (G>T on the coding strand, the complement: GAS1 is on the minus strand). VCF-style: chr9-86946533-C-A. GRCh37 (hg19) VCF-style: chr9-89561448-C-A.
Other names: short protein forms D83Y.
Identifiers: ClinVar variation 4704459 (VCV004704459.1).

ClinVar aggregate classification (germline): Uncertain significance (1 of 4 stars; one submission).

gnomAD v4.1: 118 of 1,402,328 alleles (0.0084%); highest among the groups gnomAD compares: Non-Finnish European, 0.011%; no homozygotes.

Submission:

Labcorp Genetics (formerly Invitae), Labcorp
Classification: Uncertain significance. Last evaluated: 2025-05-30. Review status: criteria provided, single submitter. Criteria: Invitae Variant Classification Sherloc (09022015). Collection method: clinical testing. Allele origin: germline.
Comment: This sequence change replaces aspartic acid, which is acidic and polar, with tyrosine, which is neutral and polar, at codon 83 of the GAS1 protein (p.Asp83Tyr). This variant is not present in population databases (gnomAD no frequency). This variant has not been reported in the literature in individuals affected with GAS1-related conditions. An algorithm developed to predict the effect of missense changes on protein structure and function (PolyPhen-2) suggests that this variant is likely to be disruptive. In summary, the available evidence is currently insufficient to determine the role of this variant in disease. Therefore, it has been classified as a Variant of Uncertain Significance.